The following is an entry in ClinVar:

NM_004329.3(BMPR1A):c.3G>A (p.Met1Ile)

Gene: BMPR1A (bone morphogenetic protein receptor type 1A; plus strand). Cytogenetic location: 10q23.2.
Variant type: single nucleotide variant.
Coding change: c.3G>A on transcript NM_004329.3 (MANE Select); coding-DNA position 3, G replaced by A.
Protein change: p.Met1Ile; changes the start codon (methionine 1).
Molecular consequence: missense variant, initiator codon variant.
Genome position (GRCh38, 1-based): chr10:86,876,021, G>A. VCF-style: chr10-86876021-G-A. GRCh37 (hg19) VCF-style: chr10-88635778-G-A.
Other names: short protein forms M1I.
Identifiers: ClinVar variation 824482 (VCV000824482.5), dbSNP rs869312758, ClinGen allele CA377774744.

ClinVar aggregate classification (germline): Pathogenic (1 of 4 stars; one submission).

Conditions:
Hereditary cancer-predisposing syndrome. Also called: Neoplastic Syndromes, Hereditary; Tumor predisposition; Hereditary neoplastic syndrome; Hereditary Cancer Syndrome. Identifiers: Orphanet 140162, MedGen C0027672, MeSH D009386, MONDO:0015356.

Submission:

Ambry Genetics
Classification: Pathogenic for Hereditary cancer-predisposing syndrome. Last evaluated: 2019-11-05. Review status: criteria provided, single submitter. Criteria: Ambry Variant Classification Scheme 2023. Collection method: clinical testing. Allele origin: germline.
Comment: The p.M1? variant (also known as c.3G>A) is located in coding exon 1 of the BMPR1A gene and results from a G to A substitution at nucleotide position 3. This alters the methionine residue at the initiation codon. There is an in-frame methionine 29 amino acids downstream from this initiation site which may result in an N-terminal truncation; however, direct evidence is unavailable. Based on an internal structural analysis, this N-terminal truncation is anticipated to result in disruption of the BMPR1A signaling motif. Other variants that affect the initiation codon of BMPR1A, c.1A>C and c.1A>G, have been identified in individuals with juvenile polyposis (Calva-Cerqueira D. et al. Clin. Genet. 2009 Jan;75:79-85; Howe JR et al. J. Surg. Res. 2013 Oct;184:739-45; Ambry internal data). In addition to the clinical data presented in the literature, since sequence variations that modify the initiation codon (ATG) are expected to result in either loss of translation initiation, N-terminal truncation, or cause a shift in the mRNA reading frame, this alteration is interpreted as a disease-causing mutation.

Literature cited by the submitters: PubMed 18823382; PubMed 23433720.